The following is an entry in ClinVar:

NM_001089.3(ABCA3):c.1678C>G (p.Gln560Glu)

Gene: ABCA3 (ATP binding cassette subfamily A member 3; minus strand). Cytogenetic location: 16p13.3.
Variant type: single nucleotide variant.
Coding change: c.1678C>G on transcript NM_001089.3 (MANE Select); coding-DNA position 1678, C replaced by G.
Protein change: p.Gln560Glu; replaces glutamine 560 with glutamic acid.
Molecular consequence: missense variant.
Genome position (GRCh38, 1-based): chr16:2,299,466, G>C on the plus strand (C>G on the coding strand, the complement: ABCA3 is on the minus strand). VCF-style: chr16-2299466-G-C. GRCh37 (hg19) VCF-style: chr16-2349467-G-C.
Other names: short protein forms Q560E.
Identifiers: ClinVar variation 2093362 (VCV002093362.4), dbSNP rs2505644349, ClinGen allele CA394334203.
Genomic context (GRCh38, chr16:2,299,466, plus strand): 5'-TGAGCATGGAGAGGGTGGTGGTCTTCCCGGCACCGTTGTGGCCCAGCAGGACGGTGATCT[G>C]TCCCTCGTACAGGTTGAGGTTCAGGTCTCTGACGGCCGCCCTGTCCTTATTTCCCACCCT-3'
Protein context (NP_001080.2, residues 550-570): RDLNLNLYEG[Gln560Glu]ITVLLGHNGA

ClinVar aggregate classification (germline): Uncertain significance (1 of 4 stars; one submission).

gnomAD v4.1: 2 of 1,613,922 alleles (0.00012%); highest among the groups gnomAD compares: Non-Finnish European, 0.00017%; no homozygotes.

Submission:

Labcorp Genetics (formerly Invitae), Labcorp
Classification: Uncertain significance. Last evaluated: 2022-04-07. Review status: criteria provided, single submitter. Criteria: Invitae Variant Classification Sherloc (09022015). Collection method: clinical testing. Allele origin: germline.
Comment: This sequence change replaces glutamine, which is neutral and polar, with glutamic acid, which is acidic and polar, at codon 560 of the ABCA3 protein (p.Gln560Glu). In summary, the available evidence is currently insufficient to determine the role of this variant in disease. Therefore, it has been classified as a Variant of Uncertain Significance. Algorithms developed to predict the effect of missense changes on protein structure and function are either unavailable or do not agree on the potential impact of this missense change (SIFT: "Tolerated"; PolyPhen-2: "Possibly Damaging"; Align-GVGD: "Class C0"). This variant has not been reported in the literature in individuals affected with ABCA3-related conditions. This variant is not present in population databases (gnomAD no frequency).